The following is an entry in ClinVar:

ClinVar aggregate classification (germline): Uncertain significance. Review status: criteria provided, single submitter (1 of 4 stars). 2 submissions from 1 submitter: Uncertain significance (2). Last evaluated 2024-03-08.

Conditions:
Cardiovascular phenotype. Identifiers: MedGen CN230736.
Hereditary cancer-predisposing syndrome. Also called: Neoplastic Syndromes, Hereditary; Tumor predisposition; Hereditary Cancer Syndrome; Hereditary neoplastic syndrome. Identifiers: Orphanet 140162, MedGen C0027672, MeSH D009386, MONDO:0015356.

Allele frequency attached by ClinVar (database versions not stated): gnomAD exomes below 0.00001.
gnomAD v4.1: 1 of 1,536,846 alleles (0.000065%); highest among the groups gnomAD compares: Non-Finnish European, 0.000087%; no homozygotes.

Submissions (2):

Ambry Genetics
Classification: Uncertain significance for Cardiovascular phenotype; Hereditary cancer-predisposing syndrome. Last evaluated: 2024-03-08. Review status: criteria provided, single submitter. Criteria: Ambry Variant Classification Scheme 2023. Collection method: clinical testing. Allele origin: germline.
Comment: The c.-2A>T variant is located in the 5' untranslated region (5&rsquo; UTR) of the NF1 gene. This variant results from an A to T substitution 2 bases upstream from the first translated codon. This nucleotide position is highly conserved in available vertebrate species. Based on the available evidence, the clinical significance of this alteration remains unclear.

Ambry Genetics
Classification: Uncertain significance for Hereditary cancer-predisposing syndrome. Last evaluated: 2015-05-08. Review status: criteria provided, single submitter. Criteria: Ambry Autosomal Dominant and X-Linked criteria (10/2015). Collection method: clinical testing. Allele origin: germline. Observed: 1 variant allele.
Comment: The c.-2A>T variant is located in the 5' untranslated region (5&rsquo; UTR) of the NF1 gene. This variant results from an A to T substitution 2 bases upstream from the first translated codon. Although this alteration is near the initiation codon, it does not disrupt the key nucleotides of theKozak motif known to modulate translation initiation (KozakM, Cell 1986 Jan; 44(2):283-92). This variant was not reported in population based cohorts in the following databases: Database of Single Nucleotide Polymorphisms (dbSNP), NHLBI Exome Sequencing Project (ESP), and 1000 Genomes Project. In the ESP, this variant was not observed in 5109 samples (10218 alleles) with coverage at this position.To date, this alteration has been detected with an allele frequency of approximately 0.002% (greater than 55000 alleles tested) in our clinical cohort.<span style="font-family:arial,sans-serif">Since supporting evidence is limited at this time, the clinical significance of this variant remains unclear.

Literature cited by the submitters: PubMed 3943125.

NM_001042492.3(NF1):c.-2A>T

Genes: NF1 (neurofibromin 1; plus strand), MIR4733HG (MIR4733 host gene; minus strand), LOC111811965 (NF1 (neurofibromin 1) promoter region; plus strand). Cytogenetic location: 17q11.2.
Variant type: single nucleotide variant.
Coding change: c.-2A>T on transcript NM_001042492.3 (MANE Select); 2 bases upstream of the start codon, A replaced by T.
Molecular consequence: 5 prime UTR variant. On other transcripts: non-coding transcript variant (1).
Genome position (GRCh38, 1-based): chr17:31,095,308, A>T. VCF-style: chr17-31095308-A-T. GRCh37 (hg19) VCF-style: chr17-29422326-A-T.
Other names: c.-2A>T (NM_000267.4, NM_001128147.3).
Identifiers: ClinVar variation 231758 (VCV000231758.4), dbSNP rs876659342, ClinGen allele CA10580179.
Genomic context (GRCh38, chr17:31,095,308, plus strand): 5'-TCTTCCCGGCCCAGGGCGCCGGCCCACCCTTCCCTCCGCCGCCCCCCGGCCGCGGGGAGG[A>T]CATGGCCGCGCACAGGCCGGTGGAATGGGTCCAGGCCGTGGTCAGCCGCTTCGACGAGCA-3'